The following is an entry in ClinVar:

ClinVar aggregate classification (germline): Uncertain significance (1 of 4 stars; one submission).

Submission:

GeneDx
Classification: Uncertain significance. Last evaluated: 2024-08-28. Review status: criteria provided, single submitter. Criteria: GeneDx Variant Classification Process June 2021. Collection method: clinical testing. Allele origin: germline. Affected: yes.
Comment: Not observed at significant frequency in large population cohorts (gnomAD); In silico analysis supports that this missense variant has a deleterious effect on protein structure/function; Has not been previously published as pathogenic or benign to our knowledge

NM_198503.5(KCNT2):c.1886T>C (p.Ile629Thr)

Gene: KCNT2 (potassium sodium-activated channel subfamily T member 2; minus strand). Cytogenetic location: 1q31.3.
Variant type: single nucleotide variant.
Coding change: c.1886T>C on transcript NM_198503.5 (MANE Select); coding-DNA position 1886, T replaced by C.
Protein change: p.Ile629Thr; replaces isoleucine 629 with threonine.
Molecular consequence: missense variant. On other transcripts: non-coding transcript variant (2).
Genome position (GRCh38, 1-based): chr1:196,333,958, A>G on the plus strand (T>C on the coding strand, the complement: KCNT2 is on the minus strand). VCF-style: chr1-196333958-A-G. GRCh37 (hg19) VCF-style: chr1-196303088-A-G.
Other names: c.1886T>C, p.Ile629Thr (NM_001287819.3); c.1736T>C, p.Ile579Thr (NM_001287820.3); short protein forms I579T, I629T.
Identifiers: ClinVar variation 3765933 (VCV003765933.1).
Genomic context (GRCh38, chr1:196,333,958, plus strand): 5'-TCACTTAGAAGATCACATGTTTGAATCGATGATGTATCTGCAACCTCTAAAACAGGAGCA[A>G]TGCTAGGTCTTCTTATTTCTTTGCTTCCCTCTGTAGGAAGAGACAGGGTAGGGCCACTTG-3'
Protein context (NP_940905.2, residues 619-639): EGSKEIRRPS[Ile629Thr]APVLEVADTS